The following is an entry in ClinVar:

NM_001130009.3(GEN1):c.974G>T (p.Gly325Val)

Gene: GEN1 (GEN1 structure-specific endonuclease; plus strand). Cytogenetic location: 2p24.2.
Variant type: single nucleotide variant.
Coding change: c.974G>T on transcript NM_001130009.3 (MANE Select); coding-DNA position 974, G replaced by T.
Protein change: p.Gly325Val; replaces glycine 325 with valine.
Molecular consequence: missense variant.
Genome position (GRCh38, 1-based): chr2:17,773,116, G>T. VCF-style: chr2-17773116-G-T. GRCh37 (hg19) VCF-style: chr2-17954383-G-T.
Other names: c.974G>T, p.Gly325Val (NM_182625.5); short protein forms G325V.
Identifiers: ClinVar variation 1060433 (VCV001060433.9), dbSNP rs773850838, ClinGen allele CA1540625.

ClinVar aggregate classification (germline): Uncertain significance (1 of 4 stars; one submission).

Allele frequency attached by ClinVar (database versions not stated): gnomAD 0.00001; TOPMed 0.00001; gnomAD exomes 0.00002; ExAC 0.00003.
gnomAD v4.1: 8 of 1,584,520 alleles (0.0005%); highest among the groups gnomAD compares: East Asian, 0.013%; no homozygotes.

Submission:

Labcorp Genetics (formerly Invitae), Labcorp
Classification: Uncertain significance. Last evaluated: 2024-05-21. Review status: criteria provided, single submitter. Criteria: Invitae Variant Classification Sherloc (09022015). Collection method: clinical testing. Allele origin: germline.
Comment: This sequence change replaces glycine, which is neutral and non-polar, with valine, which is neutral and non-polar, at codon 325 of the GEN1 protein (p.Gly325Val). This variant is present in population databases (rs773850838, gnomAD 0.03%). This variant has not been reported in the literature in individuals affected with GEN1-related conditions. ClinVar contains an entry for this variant (Variation ID: 1060433). An algorithm developed to predict the effect of missense changes on protein structure and function (PolyPhen-2) suggests that this variant is likely to be disruptive. In summary, the available evidence is currently insufficient to determine the role of this variant in disease. Therefore, it has been classified as a Variant of Uncertain Significance.